The following is an entry in ClinVar:

NM_002485.5(NBN):c.2156T>C (p.Leu719Pro)

Gene: NBN (nibrin; minus strand). Cytogenetic location: 8q21.3.
Variant type: single nucleotide variant.
Coding change: c.2156T>C on transcript NM_002485.5 (MANE Select); coding-DNA position 2156, T replaced by C.
Protein change: p.Leu719Pro; replaces leucine 719 with proline.
Molecular consequence: missense variant.
Genome position (GRCh38, 1-based): chr8:89,943,281, A>G on the plus strand (T>C on the coding strand, the complement: NBN is on the minus strand). VCF-style: chr8-89943281-A-G. GRCh37 (hg19) VCF-style: chr8-90955509-A-G.
Other names: c.1910T>C, p.Leu637Pro (NM_001024688.3); short protein forms L637P, L719P.
Identifiers: ClinVar variation 3298639 (VCV003298639.1).

ClinVar aggregate classification (germline): Uncertain significance (1 of 4 stars; one submission).

Conditions:
Hereditary cancer-predisposing syndrome. Also called: Tumor predisposition; Hereditary Cancer Syndrome; Hereditary neoplastic syndrome; Neoplastic Syndromes, Hereditary. Identifiers: Orphanet 140162, MedGen C0027672, MeSH D009386, MONDO:0015356.

gnomAD v4.1: 1 of 1,613,692 alleles (0.000062%); highest among the groups gnomAD compares: Non-Finnish European, 0.000085%; no homozygotes.

Submission:

Ambry Genetics
Classification: Uncertain significance for Hereditary cancer-predisposing syndrome. Last evaluated: 2024-06-13. Review status: criteria provided, single submitter. Criteria: Ambry Variant Classification Scheme 2023. Collection method: clinical testing. Allele origin: germline.
Comment: The p.L719P variant (also known as c.2156T>C), located in coding exon 14 of the NBN gene, results from a T to C substitution at nucleotide position 2156. The leucine at codon 719 is replaced by proline, an amino acid with similar properties. This amino acid position is conserved. In addition, the in silico prediction for this alteration is inconclusive. Based on the available evidence, the clinical significance of this variant remains unclear.